The following is an entry in ClinVar:

NM_000081.4(LYST):c.148C>T (p.Arg50Ter)

Gene: LYST (lysosomal trafficking regulator; minus strand). Cytogenetic location: 1q42.3.
Variant type: single nucleotide variant.
Coding change: c.148C>T on transcript NM_000081.4 (MANE Select); coding-DNA position 148, C replaced by T.
Protein change: p.Arg50Ter; replaces arginine 50 with a stop codon.
Molecular consequence: nonsense. On other transcripts: non-coding transcript variant (1).
Genome position (GRCh38, 1-based): chr1:235,830,270, G>A on the plus strand (C>T on the coding strand, the complement: LYST is on the minus strand). VCF-style: chr1-235830270-G-A. GRCh37 (hg19) VCF-style: chr1-235993570-G-A.
Other names: c.148C>T, p.Arg50Ter (NM_001301365.1); short protein forms R50*.
Identifiers: ClinVar variation 3813 (VCV000003813.8), dbSNP rs80338643, ClinGen allele CA116450.

ClinVar aggregate classification (germline): Pathogenic/Likely pathogenic. Review status: criteria provided, multiple submitters, no conflicts (2 of 4 stars). 5 submissions from 5 submitters: Pathogenic (2); Likely pathogenic (1). 2 of the submissions do not count toward it. Last evaluated 2025-12-17.

Conditions:
Chédiak-Higashi syndrome (CHS). Also called: Chediak-Higashi Syndrome. Identifiers: Orphanet 167, MedGen C0007965, MONDO:0008963, OMIM 214500.
CHEDIAK-HIGASHI SYNDROME, CHILDHOOD TYPE. Identifiers: MedGen C4016992.

Submissions (5):

Labcorp Genetics (formerly Invitae), Labcorp
Classification: Pathogenic for Chédiak-Higashi syndrome. Last evaluated: 2025-12-17. Review status: criteria provided, single submitter. Criteria: Invitae Variant Classification Sherloc (09022015). Collection method: clinical testing. Allele origin: germline.
Comment: This sequence change creates a premature translational stop signal (p.Arg50*) in the LYST gene. It is expected to result in an absent or disrupted protein product. Loss-of-function variants in LYST are known to be pathogenic (PMID: 9215679, 11857544). This variant is not present in population databases (gnomAD no frequency). This premature translational stop signal has been observed in individual(s) with Chediak-Higashi syndrome (PMID: 9215680). ClinVar contains an entry for this variant (Variation ID: 3813). For these reasons, this variant has been classified as Pathogenic.

Revvity Omics, Revvity
Classification: Pathogenic for Chédiak-Higashi syndrome. Last evaluated: 2024-12-17. Review status: criteria provided, single submitter. Criteria: ACMG Guidelines, 2015. Collection method: clinical testing. Allele origin: germline.

Fulgent Genetics
Classification: Likely pathogenic for Chédiak-Higashi syndrome. Last evaluated: 2024-04-03. Review status: criteria provided, single submitter. Criteria: ACMG Guidelines, 2015. Collection method: clinical testing. Allele origin: germline.

OMIM
Classification: Pathogenic for CHEDIAK-HIGASHI SYNDROME, CHILDHOOD TYPE. Last evaluated: 1997-07-01. Review status: no assertion criteria provided. Collection method: literature only. Allele origin: germline. Not counted in ClinVar's aggregate classification.

GeneReviews
No classification provided. Condition: Chédiak-Higashi syndrome. Review status: no classification provided. Collection method: literature only. Allele origin: germline. Not counted in ClinVar's aggregate classification.

Literature cited by the submitters: PubMed 9215679 (cited by Labcorp Genetics (formerly Invitae), Labcorp); PubMed 11857544 (cited by Labcorp Genetics (formerly Invitae), Labcorp); PubMed 9215680 (cited by Labcorp Genetics (formerly Invitae), Labcorp and OMIM).